The following is an entry in ClinVar:

ClinVar aggregate classification (germline): Uncertain significance (1 of 4 stars; one submission).

Conditions:
Long QT syndrome 10 (LQT10). Identifiers: Orphanet 101016, Orphanet 768, MedGen C2678484, MONDO:0012737, OMIM 611819.

Allele frequency attached by ClinVar (database versions not stated): ExAC 0.00001; gnomAD 0.00001; gnomAD exomes 0.00001; TOPMed 0.00001.
gnomAD v4.1: 5 of 1,614,018 alleles (0.00031%); highest among the groups gnomAD compares: Admixed American, 0.0083%; no homozygotes.

Submission:

Labcorp Genetics (formerly Invitae), Labcorp
Classification: Uncertain significance for Long QT syndrome 10. Last evaluated: 2024-10-01. Review status: criteria provided, single submitter. Criteria: Invitae Variant Classification Sherloc (09022015). Collection method: clinical testing. Allele origin: germline.
Comment: This sequence change replaces leucine, which is neutral and non-polar, with proline, which is neutral and non-polar, at codon 118 of the SCN4B protein (p.Leu118Pro). This variant is present in population databases (rs755758222, gnomAD 0.006%). This variant has not been reported in the literature in individuals affected with SCN4B-related conditions. ClinVar contains an entry for this variant (Variation ID: 841169). An algorithm developed to predict the effect of missense changes on protein structure and function (PolyPhen-2) suggests that this variant is likely to be disruptive. In summary, the available evidence is currently insufficient to determine the role of this variant in disease. Therefore, it has been classified as a Variant of Uncertain Significance.

NM_174934.4(SCN4B):c.353T>C (p.Leu118Pro)

Genes: SCN4B (sodium voltage-gated channel beta subunit 4; minus strand), LOC126861356 (BRD4-independent group 4 enhancer GRCh37_chr11:118014519-118015718; plus strand). Cytogenetic location: 11q23.3.
Variant type: single nucleotide variant.
Coding change: c.353T>C on transcript NM_174934.4 (MANE Select); coding-DNA position 353, T replaced by C.
Protein change: p.Leu118Pro; replaces leucine 118 with proline.
Molecular consequence: missense variant. On other transcripts: intron variant (1).
Genome position (GRCh38, 1-based): chr11:118,143,943, A>G on the plus strand (T>C on the coding strand, the complement: SCN4B is on the minus strand). VCF-style: chr11-118143943-A-G. GRCh37 (hg19) VCF-style: chr11-118014658-A-G.
Other names: c.23T>C, p.Leu8Pro (NM_001142349.2); c.62-2607T>C (NM_001142348.2); short protein forms L8P, L118P.
Identifiers: ClinVar variation 841169 (VCV000841169.10), dbSNP rs755758222, ClinGen allele CA6300229.